The following is an entry in ClinVar:

NM_014714.4(IFT140):c.189G>A (p.Arg63=)

Genes: IFT140 (intraflagellar transport 140; minus strand), LOC105371046 (uncharacterized LOC105371046; plus strand). Cytogenetic location: 16p13.3.
Variant type: single nucleotide variant.
Coding change: c.189G>A on transcript NM_014714.4 (MANE Select); coding-DNA position 189, G replaced by A.
Protein change: p.Arg63=; no amino-acid change (arginine 63 retained).
Molecular consequence: synonymous variant.
Genome position (GRCh38, 1-based): chr16:1,602,550, C>T on the plus strand (G>A on the coding strand, the complement: IFT140 is on the minus strand). VCF-style: chr16-1602550-C-T. GRCh37 (hg19) VCF-style: chr16-1652551-C-T.
Identifiers: ClinVar variation 1528524 (VCV001528524.19), dbSNP rs759832443, ClinGen allele CA7814783.

ClinVar aggregate classification (germline): Benign/Likely benign. Review status: criteria provided, multiple submitters, no conflicts (2 of 4 stars). 5 submissions from 5 submitters: Benign (1); Likely benign (4). Last evaluated 2025-07-01.

Conditions:
Saldino-Mainzer syndrome (SRTD9). Also called: Renal dysplasia, retinal pigmentary dystrophy, cerebellar ataxia and skeletal dysplasia; CONORENAL SYNDROME; short-rib thoracic dysplasia 9 with or without polydactyly; SHORT-RIB THORACIC DYSPLASIA 9 WITHOUT POLYDACTYLY. Identifiers: Orphanet 140969, MedGen C1849437, MONDO:0009964, OMIM 266920.
Retinitis pigmentosa 80 (RP80). Identifiers: MedGen C4540439, MONDO:0054708, OMIM 617781.

Allele frequency attached by ClinVar (database versions not stated): ExAC 0.00001; gnomAD exomes 0.00001; TOPMed 0.00002; gnomAD 0.00003 and 0.00004.
gnomAD v4.1: 42 of 1,613,754 alleles (0.0026%); highest among the groups gnomAD compares: Non-Finnish European, 0.0031%; no homozygotes.

Submissions (5):

CeGaT Center for Human Genetics Tuebingen
Classification: Likely benign. Last evaluated: 2025-07-01. Review status: criteria provided, single submitter. Criteria: CeGaT Center For Human Genetics Tuebingen Variant Classification Criteria Version 2. Collection method: clinical testing. Allele origin: germline. Affected: yes. Observed: 1 variant allele.
Comment: IFT140: BP4, BP7

Laboratory of Genetics, Children's Clinical University Hospital Latvia
Classification: Benign. Last evaluated: 2025-02-16. Review status: criteria provided, single submitter. Criteria: ACMG Guidelines, 2015. Collection method: clinical testing. Allele origin: germline. Affected: yes.

Labcorp Genetics (formerly Invitae), Labcorp
Classification: Likely benign for Saldino-Mainzer syndrome. Last evaluated: 2024-10-17. Review status: criteria provided, single submitter. Criteria: Invitae Variant Classification Sherloc (09022015). Collection method: clinical testing. Allele origin: germline.

Blueprint Genetics
Classification: Likely benign. Last evaluated: 2024-09-13. Review status: criteria provided, single submitter. Criteria: ACMG Guidelines, 2015. Collection method: clinical testing. Allele origin: germline.

Fulgent Genetics
Classification: Likely benign for Saldino-Mainzer syndrome; Retinitis pigmentosa 80. Last evaluated: 2021-08-03. Review status: criteria provided, single submitter. Criteria: ACMG Guidelines, 2015. Collection method: clinical testing. Allele origin: unknown.